The following continues an entry in ClinVar:

NM_004004.6(GJB2):c.94C>T (p.Arg32Cys)

Gene: GJB2. ClinVar aggregate classification (germline): Pathogenic. Pathogenic (15).

Submissions 10 to 16 of 16:

MGZ Medical Genetics Center
Classification: Pathogenic for Autosomal recessive nonsyndromic hearing loss 1A. Last evaluated: 2021-11-18. Review status: criteria provided, single submitter. Criteria: ACMG Guidelines, 2015. Collection method: clinical testing. Allele origin: germline. Affected: yes. Observed: 1 variant allele.
Comment: ACMG criteria applied: PS4, PM3, PM5, PM2_SUP, PP3

Athena Diagnostics
Classification: Pathogenic. Last evaluated: 2020-10-21. Review status: criteria provided, single submitter. Criteria: Athena Diagnostics criteria. Collection method: clinical testing. Allele origin: unknown.
Comment: The frequency of this variant in the general population is consistent with pathogenicity. This variant appears to segregate with disease in at least one family, however, the available information does not rule out segregation due to chance. In multiple individuals, this variant has been seen with a single recessive pathogenic variant in the same gene, suggesting this variant may also be pathogenic. Computational tools predict that this variant is damaging.

ARUP Laboratories, Molecular Genetics and Genomics, ARUP Laboratories
Classification: Pathogenic. Last evaluated: 2018-09-28. Review status: criteria provided, single submitter. Criteria: ARUP Molecular Germline Variant Investigation Process. Collection method: clinical testing. Allele origin: germline.
Comment: The GJB2 (Connexin 26) c.94C>T; p.Arg32Cys variant (rs371024165) has been previously identified in patients with a suspicion of GJB2-realted deafness, either as a homozygote (Moctar 2016), or as part of a trans-heterozygous (bi-allelic) combination with another pathogenic variant (Prasad 2000, Xia 2016, Moctar 2016). It has also been identified as a rare variant in several large-scale sequencing studies of affected populations (selected references: Snoeckx 2005, Dodson 2011, de la Luz Arenas-Sordo 2012, Bazazzadegan 2012). Consistent with a recessive carrier frequency, this variant is found in the general population with an allele frequency in African populations of 0.04% (10/24,020 alleles) in the Genome Aggregation Database. The arginine residue at this position is highly conserved across multiple species (Alamut Software v 2.11), and computational programs (SIFT, PolyPhen2) predict this variant to be damaging to protein function. Additionally, as listed in the HGMD database (Stenson 2017) other amino acid substitutions at this codon have been implicated in hearing loss (Gly, His, Leu, Ser). Taken together, we consider the c.94C>T; p.Arg32Cys variant to be pathogenic.

Eurofins Ntd Llc (ga)
Classification: Pathogenic. Last evaluated: 2018-02-09. Review status: criteria provided, single submitter. Criteria: EGL ClinVar v180209 classification definitions. Collection method: clinical testing. Allele origin: germline. Observed: 2 variant alleles, 2 heterozygotes.

Women's Health and Genetics/Laboratory Corporation of America, LabCorp
Classification: Pathogenic for Deafness, autosomal recessive 1A. Last evaluated: 2017-09-01. Review status: criteria provided, single submitter. Criteria: LabCorp Variant Classification Summary - May 2015. Collection method: clinical testing. Allele origin: germline.
Comment: Variant summary: The GJB2 c.94C>T (p.Arg32Cys) variant causes a missense change involving the alteration of a conserved nucleotide located in the Connexin, N-terminal domain (IPR013092) (InterPro). 5/5 in silico tools predict damaging outcome for this variant. The variant was found in the control population dataset of ExAC and publications in 5/122742 control chromosomes at a frequency of 0.0000407, which does not exceed the estimated maximal expected allele frequency of a pathogenic GJB2 variant (0.025). This variant was reported in several patients with NSHL in homozygous state and compound heterozygous state with other pathogenic variants, including evidence of cosegregation with disease (Prasad_2000, Pandya_2003, Toth_2004, Snoeckx_2005, Dai_2009, Shan_2010, Dodson_2011, Bazazzadegan_2012, Rayess_2015). Multiple clinical diagnostic laboratories/reputable databases classified this variant as likely pathogenic. Another missense change at the same residue p.Arg32His has also been classified as pathogenic by multiple submitters in ClinVar. Taken together, this variant is classified as pathogenic.

Kasturba Medical College, Manipal, Kasturba Medical College, Manipal, Manipal Academy of Higher Education, Manipal, India
Classification: Pathogenic for Autosomal recessive nonsyndromic hearing loss 1A. Review status: criteria provided, single submitter. Criteria: ACMG Guidelines, 2015. Collection method: research. Allele origin: biparental. Inheritance: Autosomal recessive inheritance. Affected: yes. Observed: 1 homozygote.
Comment: This variant is observed in heterozygous state in one individual in our in-house data of 3717 exomes and in 57 individuals in gnomAD database (v4.1.0) . This variant is absent in homozygous state in gnomAD and our in-house data of 3717 exomes. In silico prediction tools (CADD_phred, Revel) are consistent in predicting the variant to be damaging to GJB2 protein function. The clinical features observed in proband are in concordance with deafness, autosomal recessive 1A.

Counsyl
Classification: Pathogenic for Autosomal recessive nonsyndromic hearing loss 1A. Last evaluated: 2016-09-09. Review status: no assertion criteria provided. Collection method: clinical testing. Allele origin: unknown. Not counted in ClinVar's aggregate classification.

Literature cited by the submitters: PubMed 11102979 (cited by 5 submitters); PubMed 19371219 (cited by 7 submitters); PubMed 21465647 (cited by 5 submitters); PubMed 26346709 (cited by Labcorp Genetics (formerly Invitae), Labcorp and Natera, Inc.); PubMed 27045574 (cited by 4 submitters); PubMed 19157576 (cited by Labcorp Genetics (formerly Invitae), Labcorp); PubMed 20154630 (cited by Labcorp Genetics (formerly Invitae), Labcorp); PubMed 22925408 (cited by 3 submitters); PubMed 27067584 (cited by 4 submitters); PubMed 19366456 (cited by 6 submitters); PubMed 11493200 (cited by 3 submitters); PubMed 15146474 (cited by 5 submitters); PubMed 14985372 (cited by 4 submitters); PubMed 19390476 (cited by Variantyx, Inc. and Counsyl); PubMed 25388846 (cited by Laboratory for Molecular Medicine, Mass General Brigham Personalized Medicine and Athena Diagnostics); PubMed 26540915 (cited by Laboratory for Molecular Medicine, Mass General Brigham Personalized Medicine); PubMed 9285800 (cited by Laboratory for Molecular Medicine, Mass General Brigham Personalized Medicine); PubMed 25087612 (cited by Laboratory for Molecular Medicine, Mass General Brigham Personalized Medicine and Athena Diagnostics); PubMed 20381175 (cited by 4 submitters); PubMed 27153395 (cited by Laboratory for Molecular Medicine, Mass General Brigham Personalized Medicine); PubMed 16380907 (cited by 3 submitters); PubMed 12885339 (cited by Laboratory for Molecular Medicine, Mass General Brigham Personalized Medicine and Counsyl); PubMed 12172394 (cited by Laboratory for Molecular Medicine, Mass General Brigham Personalized Medicine and Women's Health and Genetics/Laboratory Corporation of America, LabCorp); PubMed 22695344 (cited by 4 submitters); PubMed 25270357 (cited by Women's Health and Genetics/Laboratory Corporation of America, LabCorp); PubMed 12865758 (cited by Women's Health and Genetics/Laboratory Corporation of America, LabCorp); PubMed 15967879 (cited by Women's Health and Genetics/Laboratory Corporation of America, LabCorp); PubMed 19235794 (cited by Women's Health and Genetics/Laboratory Corporation of America, LabCorp and Counsyl); PubMed 15365987 (cited by Women's Health and Genetics/Laboratory Corporation of America, LabCorp and Counsyl); PubMed 20083784 (cited by Counsyl); PubMed 17666888 (cited by Counsyl).